The following is an entry in ClinVar:

NM_001430.5(EPAS1):c.758A>G (p.Lys253Arg)

Genes: EPAS1 (endothelial PAS domain protein 1; plus strand), LOC126806210 (BRD4-independent group 4 enhancer GRCh37_chr2:46587586-46588785; plus strand). Cytogenetic location: 2p21.
Variant type: single nucleotide variant.
Coding change: c.758A>G on transcript NM_001430.5 (MANE Select); coding-DNA position 758, A replaced by G.
Protein change: p.Lys253Arg; replaces lysine 253 with arginine.
Molecular consequence: missense variant.
Genome position (GRCh38, 1-based): chr2:46,361,069, A>G. VCF-style: chr2-46361069-A-G. GRCh37 (hg19) VCF-style: chr2-46588208-A-G.
Other names: short protein forms K253R.
Identifiers: ClinVar variation 3275689 (VCV003275689.1).

ClinVar aggregate classification (germline): Uncertain significance (1 of 4 stars; one submission).

Conditions:
Inborn genetic diseases. Identifiers: MedGen C0950123, MeSH D030342.

gnomAD v4.1: 1 of 1,614,152 alleles (0.000062%); highest among the groups gnomAD compares: African/African-American, 0.0013%; no homozygotes.

Submission:

Ambry Genetics
Classification: Uncertain significance for Inborn genetic diseases. Last evaluated: 2024-03-27. Review status: criteria provided, single submitter. Criteria: Ambry Variant Classification Scheme 2023. Collection method: clinical testing. Allele origin: germline.
Comment: The p.K253R variant (also known as c.758A>G), located in coding exon 6 of the EPAS1 gene, results from an A to G substitution at nucleotide position 758. The lysine at codon 253 is replaced by arginine, an amino acid with highly similar properties. This amino acid position is conserved. In addition, the in silico prediction for this alteration is inconclusive. Based on the available evidence, the clinical significance of this alteration remains unclear.